The following is an entry in ClinVar:

ClinVar aggregate classification (germline): Uncertain significance. Review status: criteria provided, multiple submitters, no conflicts (2 of 4 stars). 2 submissions from 2 submitters: Uncertain significance (2). Last evaluated 2024-06-18.

Conditions:
Polycystic kidney disease, adult type (PKD1). Also called: Polycystic Kidney Disease 1, Autosomal Dominant; Polycystic kidney disease 1; Polycystic kidney disease 1, severe; Polycystic Kidney, Autosomal Dominant; POLYCYSTIC KIDNEY DISEASE, ADULT, TYPE I; POLYCYSTIC KIDNEY DISEASE 1 WITH OR WITHOUT POLYCYSTIC LIVER DISEASE. Identifiers: MedGen C3149841, MONDO:0008263, OMIM 173900.

Allele frequency attached by ClinVar (database versions not stated): TOPMed below 0.00001; gnomAD 0.00001.
gnomAD v4.1: 33 of 1,609,936 alleles (0.002%); highest among the groups gnomAD compares: Non-Finnish European, 0.0027%; no homozygotes.

Submissions (2):

Fulgent Genetics
Classification: Uncertain significance for Polycystic kidney disease, adult type. Last evaluated: 2024-06-18. Review status: criteria provided, single submitter. Criteria: ACMG Guidelines, 2015. Collection method: clinical testing. Allele origin: germline.

GeneDx
Classification: Uncertain significance. Last evaluated: 2017-02-22. Review status: criteria provided, single submitter. Criteria: GeneDx Variant Classification (06012015). Collection method: clinical testing. Allele origin: germline. Affected: yes.
Comment: The S1735C variant in the PKD1 gene has not been reported previously as a pathogenic variant, nor as a benign variant, to our knowledge. The S1735C variant is not observed in large population cohorts (Lek et al., 2016; 1000 Genomes Consortium et al., 2015; Exome Variant Server). The S1735C variant is a non-conservative amino acid substitution, which is likely to impact secondary protein structure as these residues differ in polarity, charge, size and/or other properties. This substitution occurs at a position that is not conserved. In silico analysis predicts this variant likely does not alter the protein structure/function. We interpret S1735C as a variant of uncertain significance.

NM_001009944.3(PKD1):c.5203A>T (p.Ser1735Cys)

Gene: PKD1 (polycystin 1, transient receptor potential channel interacting; minus strand). Cytogenetic location: 16p13.3.
Variant type: single nucleotide variant.
Coding change: c.5203A>T on transcript NM_001009944.3 (MANE Select); coding-DNA position 5203, A replaced by T.
Protein change: p.Ser1735Cys; replaces serine 1735 with cysteine.
Molecular consequence: missense variant.
Genome position (GRCh38, 1-based): chr16:2,109,964, T>A on the plus strand (A>T on the coding strand, the complement: PKD1 is on the minus strand). VCF-style: chr16-2109964-T-A. GRCh37 (hg19) VCF-style: chr16-2159965-T-A.
Other names: c.5203A>T, p.Ser1735Cys (NM_000296.4); short protein forms S1735C.
Identifiers: ClinVar variation 423425 (VCV000423425.3), dbSNP rs1064796417, ClinGen allele CA16620110.
Genomic context (GRCh38, chr16:2,109,964, plus strand): 5'-CCAAGGACCAAGTGTATACGACACCACTGCCACCAGCCAGCTCGGCACTGAGGGTGACGC[T>A]TGTGTTGACGGCAGCTGGGTTCGGGGAGGCGGCCACCATCAGCCACCCCACAGGCTCCAC-3'
Protein context (NP_001009944.3, residues 1725-1745): ASPNPAAVNT[Ser1735Cys]VTLSAELAGG